The following is an entry in ClinVar:

ClinVar aggregate classification (germline): Uncertain significance (1 of 4 stars; one submission).

Allele frequency attached by ClinVar (database versions not stated): ExAC 0.00002; gnomAD exomes 0.00001.
gnomAD v4.1: 9 of 1,584,780 alleles (0.00057%); highest among the groups gnomAD compares: Non-Finnish European, 0.00077%; no homozygotes.

Submission:

Labcorp Genetics (formerly Invitae), Labcorp
Classification: Uncertain significance. Last evaluated: 2021-08-28. Review status: criteria provided, single submitter. Criteria: Invitae Variant Classification Sherloc (09022015). Collection method: clinical testing. Allele origin: germline.
Comment: This sequence change replaces alanine with threonine at codon 939 of the TUBGCP6 protein (p.Ala939Thr). The alanine residue is weakly conserved and there is a small physicochemical difference between alanine and threonine. This variant is present in population databases (rs773849188, ExAC 0.003%). This variant has not been reported in the literature in individuals affected with TUBGCP6-related conditions. Algorithms developed to predict the effect of missense changes on protein structure and function output the following: SIFT: "Tolerated"; PolyPhen-2: "Benign"; Align-GVGD: "Class C0". The threonine amino acid residue is found in multiple mammalian species, which suggests that this missense change does not adversely affect protein function. In summary, the available evidence is currently insufficient to determine the role of this variant in disease. Therefore, it has been classified as a Variant of Uncertain Significance.

NM_020461.4(TUBGCP6):c.2815G>A (p.Ala939Thr)

Gene: TUBGCP6 (tubulin gamma complex component 6; minus strand). Cytogenetic location: 22q13.33.
Variant type: single nucleotide variant.
Coding change: c.2815G>A on transcript NM_020461.4 (MANE Select); coding-DNA position 2815, G replaced by A.
Protein change: p.Ala939Thr; replaces alanine 939 with threonine.
Molecular consequence: missense variant.
Genome position (GRCh38, 1-based): chr22:50,221,544, C>T on the plus strand (G>A on the coding strand, the complement: TUBGCP6 is on the minus strand). VCF-style: chr22-50221544-C-T. GRCh37 (hg19) VCF-style: chr22-50659973-C-T.
Other names: short protein forms A939T.
Identifiers: ClinVar variation 1016951 (VCV001016951.6), dbSNP rs773849188, ClinGen allele CA10308108.